The following is an entry in ClinVar:

ClinVar aggregate classification (germline): Uncertain significance. Review status: criteria provided, multiple submitters, no conflicts (2 of 4 stars). 2 submissions from 2 submitters: Uncertain significance (2). Last evaluated 2025-01-21.

Allele frequency attached by ClinVar (database versions not stated): gnomAD exomes 0.00005; ExAC 0.00007; TOPMed 0.00007; ESP Exome Variant Server 0.00008.
gnomAD v4.1: 84 of 1,614,032 alleles (0.0052%); highest among the groups gnomAD compares: Middle Eastern, 0.066%; 1 homozygote.

Submissions (2):

Ambry Genetics
Classification: Uncertain significance. Last evaluated: 2025-01-21. Review status: criteria provided, single submitter. Criteria: Ambry Variant Classification Scheme 2023. Collection method: clinical testing. Allele origin: germline.

Labcorp Genetics (formerly Invitae), Labcorp
Classification: Uncertain significance. Last evaluated: 2023-05-22. Review status: criteria provided, single submitter. Criteria: Invitae Variant Classification Sherloc (09022015). Collection method: clinical testing. Allele origin: germline.
Comment: In summary, the available evidence is currently insufficient to determine the role of this variant in disease. Therefore, it has been classified as a Variant of Uncertain Significance. An algorithm developed to predict the effect of missense changes on protein structure and function (PolyPhen-2) suggests that this variant is likely to be tolerated. ClinVar contains an entry for this variant (Variation ID: 2154033). This variant has not been reported in the literature in individuals affected with SLC16A12-related conditions. This variant is present in population databases (rs151275788, gnomAD 0.02%). This sequence change replaces serine, which is neutral and polar, with arginine, which is basic and polar, at codon 514 of the SLC16A12 protein (p.Ser514Arg).

NM_213606.4(SLC16A12):c.1542C>A (p.Ser514Arg)

Gene: SLC16A12 (solute carrier family 16 member 12; minus strand). Cytogenetic location: 10q23.31.
Variant type: single nucleotide variant.
Coding change: c.1542C>A on transcript NM_213606.4 (MANE Select); coding-DNA position 1542, C replaced by A.
Protein change: p.Ser514Arg; replaces serine 514 with arginine.
Molecular consequence: missense variant.
Genome position (GRCh38, 1-based): chr10:89,433,073, G>T on the plus strand (C>A on the coding strand, the complement: SLC16A12 is on the minus strand). VCF-style: chr10-89433073-G-T. GRCh37 (hg19) VCF-style: chr10-91192830-G-T.
Other names: c.1542C>A (NM_213606.3); short protein forms S514R.
Identifiers: ClinVar variation 2154033 (VCV002154033.5), dbSNP rs151275788, ClinGen allele CA5595300.